The following is an entry in ClinVar:

ClinVar aggregate classification (germline): Uncertain significance. Review status: criteria provided, multiple submitters, no conflicts (2 of 4 stars). 2 submissions from 2 submitters: Uncertain significance (2). Last evaluated 2024-05-31.

Conditions:
Hereditary cancer-predisposing syndrome. Also called: Tumor predisposition; Hereditary neoplastic syndrome; Hereditary Cancer Syndrome; Neoplastic Syndromes, Hereditary. Identifiers: Orphanet 140162, MedGen C0027672, MeSH D009386, MONDO:0015356.
Hereditary nonpolyposis colorectal neoplasms. Identifiers: MedGen C0009405, MeSH D003123.

Submissions (2):

Color Diagnostics, LLC DBA Color Health
Classification: Uncertain significance for Hereditary cancer-predisposing syndrome. Last evaluated: 2024-05-31. Review status: criteria provided, single submitter. Criteria: ACMG Guidelines, 2015. Collection method: clinical testing. Allele origin: germline.
Comment: This missense variant replaces proline with histidine at codon 343 of the MSH6 protein. Computational prediction is inconclusive regarding the impact of this variant on protein structure and function (internally defined REVEL score threshold 0.5 < inconclusive < 0.7, PMID: 27666373). To our knowledge, functional studies have not been reported for this variant. This variant has not been reported in individuals affected with MSH6-related disorders in the literature. This variant has not been identified in the general population by the Genome Aggregation Database (gnomAD). The available evidence is insufficient to determine the role of this variant in disease conclusively. Therefore, this variant is classified as a Variant of Uncertain Significance.

Labcorp Genetics (formerly Invitae), Labcorp
Classification: Uncertain significance for Hereditary nonpolyposis colorectal neoplasms. Last evaluated: 2021-10-02. Review status: criteria provided, single submitter. Criteria: Invitae Variant Classification Sherloc (09022015). Collection method: clinical testing. Allele origin: germline.
Comment: In summary, the available evidence is currently insufficient to determine the role of this variant in disease. Therefore, it has been classified as a Variant of Uncertain Significance. Advanced modeling of protein sequence and biophysical properties (such as structural, functional, and spatial information, amino acid conservation, physicochemical variation, residue mobility, and thermodynamic stability) performed at Invitae indicates that this missense variant is not expected to disrupt MSH6 protein function. ClinVar contains an entry for this variant (Variation ID: 1171277). This variant has not been reported in the literature in individuals affected with MSH6-related conditions. This variant is not present in population databases (ExAC no frequency). This sequence change replaces proline with histidine at codon 343 of the MSH6 protein (p.Pro343His). The proline residue is moderately conserved and there is a moderate physicochemical difference between proline and histidine.

NM_000179.3(MSH6):c.1028C>A (p.Pro343His)

Gene: MSH6 (mutS homolog 6; plus strand). Cytogenetic location: 2p16.3.
Variant type: single nucleotide variant.
Coding change: c.1028C>A on transcript NM_000179.3 (MANE Select); coding-DNA position 1028, C replaced by A.
Protein change: p.Pro343His; replaces proline 343 with histidine.
Molecular consequence: missense variant.
Genome position (GRCh38, 1-based): chr2:47,799,011, C>A. VCF-style: chr2-47799011-C-A. GRCh37 (hg19) VCF-style: chr2-48026150-C-A.
Other names: c.638C>A, p.Pro213His (NM_001281492.2); c.122C>A, p.Pro41His (NM_001281493.2, NM_001281494.2); short protein forms P213H, P343H, P41H.
Identifiers: ClinVar variation 1171277 (VCV001171277.9), dbSNP rs548898238, ClinGen allele CA346741378.
Genomic context (GRCh38, chr2:47,799,011, plus strand): 5'-CCAAACAAGCAACTAGCATTTCATCAGAAACCAAGAATACTTTGAGAGCTTTCTCTGCCC[C>A]TCAAAATTCTGAATCCCAAGCCCACGTTAGTGGAGGTGGTGATGACAGTAGTCGCCCTAC-3'
Protein context (NP_000170.1, residues 333-353): TKNTLRAFSA[Pro343His]QNSESQAHVS